The following is an entry in ClinVar:

ClinVar aggregate classification (germline): Pathogenic. Review status: reviewed by expert panel (3 of 4 stars). 6 submissions from 6 submitters: Pathogenic (1). 5 of the submissions do not count toward it. Last evaluated 2016-09-08.

Conditions:
Hereditary cancer-predisposing syndrome. Also called: Neoplastic Syndromes, Hereditary; Hereditary Cancer Syndrome; Hereditary neoplastic syndrome; Tumor predisposition. Identifiers: Orphanet 140162, MedGen C0027672, MeSH D009386, MONDO:0015356.
Hereditary breast ovarian cancer syndrome. Also called: Hereditary breast and ovarian cancer syndrome; Hereditary breast and/or ovarian cancer syndrome; BRCA1- and BRCA2-Associated Hereditary Breast and Ovarian Cancer; Hereditary breast and ovarian cancer; Breast and ovarian cancer; Hereditary breast and ovarian cancer syndrome (HBOC). Identifiers: Orphanet 145, MedGen C0677776, MeSH D061325, MONDO:0003582. Disease mechanism: loss of function.
Breast-ovarian cancer, familial, susceptibility to, 2 (BROVCA2). Also called: BRCA2 Hereditary Breast and Ovarian Cancer. Identifiers: Orphanet 145, MedGen C2675520, MONDO:0012933, OMIM 612555. Disease mechanism: loss of function.

Submissions (6):

Evidence-based Network for the Interpretation of Germline Mutant Alleles (ENIGMA)
Classification: Pathogenic for Breast-ovarian cancer, familial, susceptibility to, 2. Last evaluated: 2016-09-08. Review status: reviewed by expert panel. Criteria: ENIGMA BRCA1/2 Classification Criteria (2015). Collection method: curation. Allele origin: germline.
Comment: Variant allele predicted to encode a truncated non-functional protein.

Color Diagnostics, LLC DBA Color Health
Classification: Pathogenic for Hereditary cancer-predisposing syndrome. Last evaluated: 2024-05-22. Review status: criteria provided, single submitter. Criteria: ACMG Guidelines, 2015. Collection method: clinical testing. Allele origin: germline. Not counted in ClinVar's aggregate classification.
Comment: This variant deletes 4 nucleotides in exon 27 of the BRCA2 gene, creating a frameshift and premature translation stop signal in the last coding exon. This variant is predicted to escape nonsense-mediated decay and be expressed as a truncated protein. Although functional studies have not been reported, this variant is expected to disrupt the RAD51 binding domain. This domain has been reported to be essential for homologous recombination and DNA repair (PMID: 17515903). In addition, truncating variants occurring downstream of this variant are known to be disease-causing (ClinVar Variation ID: 52916, 267176). To our knowledge, this variant has not been reported in individuals affected with BRCA2-related disorders in the literature. This variant has been identified in 1/251398 chromosomes in the general population by the Genome Aggregation Database (gnomAD). Loss of BRCA2 function is a known mechanism of disease. Based on the available evidence, this variant is classified as Pathogenic.

Ambry Genetics
Classification: Pathogenic for Hereditary cancer-predisposing syndrome. Last evaluated: 2024-01-04. Review status: criteria provided, single submitter. Criteria: Ambry Variant Classification Scheme 2023. Collection method: clinical testing. Allele origin: germline. Not counted in ClinVar's aggregate classification.
Comment: The c.9770_9773delAAGA pathogenic mutation, located in coding exon 26 of the BRCA2 gene, results from a deletion of 4 nucleotides at nucleotide positions 9770 to 9773, causing a translational frameshift with a predicted alternate stop codon (p.K3257Rfs*17). This alteration occurs at the 3' terminus of theBRCA2 gene, is not expected to trigger nonsense-mediated mRNA decay, and impacts the last 162 amino acids of the protein. However, premature stop codons are typically deleterious in nature and the impacted region is critical for protein function (Ambry internal data). Based on the supporting evidence, this alteration is interpreted as a disease-causing mutation.

All of Us Research Program, National Institutes of Health
Classification: Pathogenic for Breast-ovarian cancer, familial, susceptibility to, 2. Last evaluated: 2023-11-28. Review status: criteria provided, single submitter. Criteria: ACMG Guidelines, 2015. Collection method: clinical testing. Allele origin: germline. Inheritance: Autosomal dominant inheritance. Observed: 1 variant allele, 1 heterozygote. Not counted in ClinVar's aggregate classification.
Comment: This variant creates a premature termination codon in the last exon. The transcribed mRNA is predicted to escape nonsense mediated decay and result in protein truncation. This prediction has not been confirmed by functional studies. To date, this variant has not been reported in association with human disease in the medical literature. This variant is present in 1/236860 total alleles in the Genome Aggregation Database.

This study involves interpretation of variants in research participants for the purpose of population health screening. Participant phenotype was not available at the time of variant classification. Additional details can be found in publication PMID: 35346344, PMCID: PMC8962531

Labcorp Genetics (formerly Invitae), Labcorp
Classification: Pathogenic for Hereditary breast ovarian cancer syndrome. Last evaluated: 2021-01-12. Review status: criteria provided, single submitter. Criteria: Invitae Variant Classification Sherloc (09022015). Collection method: clinical testing. Allele origin: germline. Not counted in ClinVar's aggregate classification.
Comment: For these reasons, this variant has been classified as Pathogenic. This variant disrupts the C-terminus of the BRCA2 protein. Other variant(s) that disrupt this region (p.Tyr3308*) have been determined to be pathogenic (PMID: 17026620, 22711857, 18593900, 18607349). This suggests that variants that disrupt this region of the protein are likely to be causative of disease. This variant has not been reported in the literature in individuals with BRCA2-related conditions. ClinVar contains an entry for this variant (Variation ID: 141469). This variant is present in population databases (rs752806191, ExAC 0.001%). This sequence change creates a premature translational stop signal (p.Lys3257Argfs*17) in the BRCA2 gene. While this is not anticipated to result in nonsense mediated decay, it is expected to disrupt the last 162 amino acid(s) of the BRCA2 protein.

Women's Health and Genetics/Laboratory Corporation of America, LabCorp
Classification: Pathogenic for Hereditary breast ovarian cancer syndrome. Last evaluated: 2016-06-21. Review status: criteria provided, single submitter. Criteria: LabCorp Variant Classification Summary - May 2015. Collection method: clinical testing. Allele origin: germline. Not counted in ClinVar's aggregate classification.
Comment: Variant summary: The BRCA2 c.9770_9773delAAGA (p.Lys3257Argfs) variant results in a premature termination codon, predicted to cause a truncated or absent BRCA2 protein due to nonsense mediated decay, which are commonly known mechanisms for disease. Truncations downstream of this position have been classified as pathogenic by our laboratory (e.g.c.9924C>G/p.Tyr3308X). One in silico tool predicts a damaging outcome for this variant. This variant was found in 1/121392 control chromosomes at a frequency of 0.0000082, which does not exceed the estimated maximal expected allele frequency of a pathogenic BRCA2 variant (0.0007503). In addition, one clinical diagnostic laboratory classified this variant as pathogenic. The variant of interest has not, to our knowledge, been reported in affected individuals via publications and/or reputable databases/clinical diagnostic laboratories; nor evaluated for functional impact by in vivo/vitro studies. Taken together, this variant is classified as pathogenic.

Literature cited by the submitters: PubMed 17515903 (cited by Color Diagnostics, LLC DBA Color Health); PubMed 17026620 (cited by Labcorp Genetics (formerly Invitae), Labcorp); PubMed 22711857 (cited by Labcorp Genetics (formerly Invitae), Labcorp); PubMed 18593900 (cited by Labcorp Genetics (formerly Invitae), Labcorp); PubMed 18607349 (cited by Labcorp Genetics (formerly Invitae), Labcorp).

NM_000059.4(BRCA2):c.9770_9773del (p.Lys3257fs)

Gene: BRCA2 (BRCA2 DNA repair associated; plus strand). Cytogenetic location: 13q13.1.
Variant type: Deletion.
Coding change: c.9770_9773del on transcript NM_000059.4 (MANE Select); coding-DNA positions 9770 to 9773, 4 bases deleted (AAGA; older notation c.9770_9773delAAGA).
Protein change: p.Lys3257fs; shifts the reading frame from lysine 3257.
Molecular consequence: frameshift variant.
Genome position (GRCh38, 1-based): chr13:32,398,283-32,398,286, AAGA deleted; deleting any 4 consecutive bases within chr13:32,398,280-32,398,286 gives the same sequence; the c. name uses the placement nearest the transcript's 3' end. VCF-style (leftmost placement, unchanged base first): chr13-32398279-GAGAA-G. GRCh37 (hg19) VCF-style: chr13-32972416-GAGAA-G.
Other names: c.9770_9773delAAGA (NM_000059.3); short protein forms K3257fs.
Identifiers: ClinVar variation 141469 (VCV000141469.18), dbSNP rs587781772, ClinGen allele CA026293.
Genomic context (GRCh38, chr13:32,398,279, plus strand): 5'-AAAAGGAAGTCTGTTTCCACACCTGTCTCAGCCCAGATGACTTCAAAGTCTTGTAAAGGG[GAGAA>G]AGAGATTGATGACCAAAAGAACTGCAAAAAGAGAAGAGCCTTGGATTTCTTGAGTAGACT-3'